The following is an entry in ClinVar:

NM_001165963.4(SCN1A):c.694+5G>C

Gene: SCN1A (sodium voltage-gated channel alpha subunit 1; minus strand). Cytogenetic location: 2q24.3.
Variant type: single nucleotide variant.
Coding change: c.694+5G>C on transcript NM_001165963.4 (MANE Select); 5 bases into the intron after coding-DNA position 694, G replaced by C.
Molecular consequence: intron variant.
Genome position (GRCh38, 1-based): chr2:166,052,847, C>G on the plus strand (G>C on the coding strand, the complement: SCN1A is on the minus strand). VCF-style: chr2-166052847-C-G. GRCh37 (hg19) VCF-style: chr2-166909357-C-G.
Other names: c.694+5G>C (NM_001353949.2, NM_001353958.2, NM_001353950.2 and 10 more transcripts); c.-1732+5G>C (NM_001353961.2).
Identifiers: ClinVar variation 167647 (VCV000167647.12), dbSNP rs727504142, ClinGen allele CA234876.

ClinVar aggregate classification (germline): Conflicting classifications of pathogenicity. Review status: criteria provided, conflicting classifications (1 of 4 stars). 3 submissions from 3 submitters: Pathogenic (2); Uncertain significance (1). Last evaluated 2023-08-30.

Conditions:
Early-infantile DEE. Also called: Early infantile epileptic encephalopathy; Early infantile epileptic encephalopathy with suppression bursts; Ohtahara syndrome. Identifiers: Orphanet 1934, MedGen C0393706, MONDO:0800491.
Severe myoclonic epilepsy in infancy (DRVT). Also called: SEVERE MYOCLONIC EPILEPSY OF INFANCY; DEVELOPMENTAL AND EPILEPTIC ENCEPHALOPATHY 6A; Severe Myoclonic Epilepsy in Infancy (SMEI); Epileptic encephalopathy, early infantile, 6 (Dravet syndrome); Dravet syndrome. Identifiers: Orphanet 33069, MedGen C0751122, MONDO:0100135, OMIM 607208.

Submissions (3):

Labcorp Genetics (formerly Invitae), Labcorp
Classification: Pathogenic for Early-infantile DEE. Last evaluated: 2023-08-30. Review status: criteria provided, single submitter. Criteria: Invitae Variant Classification Sherloc (09022015). Collection method: clinical testing. Allele origin: germline.
Comment: This sequence change falls in intron 5 of the SCN1A gene. It does not directly change the encoded amino acid sequence of the SCN1A protein. It affects a nucleotide within the consensus splice site. This variant is not present in population databases (gnomAD no frequency). This variant has been observed in individual(s) with clinical features of SCN1A-related conditions and/or Dravet syndrome (PMID: 26096185; Invitae). In at least one individual the variant was observed to be de novo. ClinVar contains an entry for this variant (Variation ID: 167647). Variants that disrupt the consensus splice site are a relatively common cause of aberrant splicing (PMID: 17576681, 9536098). Algorithms developed to predict the effect of sequence changes on RNA splicing suggest that this variant may disrupt the consensus splice site. For these reasons, this variant has been classified as Pathogenic.

Eurofins Ntd Llc (ga)
Classification: Uncertain significance. Last evaluated: 2017-09-28. Review status: criteria provided, single submitter. Criteria: EGL Classification Definitions 2015. Collection method: clinical testing. Allele origin: germline. Observed: 1 variant allele, 1 heterozygote.

Center for Bioinformatics, Peking University
Classification: Pathogenic for Dravet syndrome. Last evaluated: 2014-12-20. Review status: criteria provided, single submitter. Criteria: Xu et al. (Hum Mutat. 2015). Collection method: research. Allele origin: de novo. Affected: yes. Observed: 1 variant allele. Study: University Clinical Cooperation “985 Project” PKU-2014-1-1.
Comment: Dravet syndrome (DS) probands were recruited from the outpatient and inpatient child neurology units of Peking University First Hospital from 2005 till present. The study was approved by the Ethics Committee of Peking University First Hospital and the Institutional Review Board at Peking University. Participants or their parents provided written informed consent before enrollment. We collected a total of 267 mutations from 255 families with probands diagnosed with DS in China. All probands fulfilled the clinical diagnostic criteria.

Literature cited by the submitters: PubMed 26096185 (cited by Labcorp Genetics (formerly Invitae), Labcorp); PubMed 17576681 (cited by Labcorp Genetics (formerly Invitae), Labcorp); PubMed 9536098 (cited by Labcorp Genetics (formerly Invitae), Labcorp).